The following is an entry in ClinVar:

NM_003036.4(SKI):c.560A>G (p.Asn187Ser)

Gene: SKI (SKI proto-oncogene; plus strand). Cytogenetic location: 1p36.33.
Variant type: single nucleotide variant.
Coding change: c.560A>G on transcript NM_003036.4 (MANE Select); coding-DNA position 560, A replaced by G.
Protein change: p.Asn187Ser; replaces asparagine 187 with serine.
Molecular consequence: missense variant.
Genome position (GRCh38, 1-based): chr1:2,229,326, A>G. VCF-style: chr1-2229326-A-G. GRCh37 (hg19) VCF-style: chr1-2160765-A-G.
Other names: short protein forms N187S.
Identifiers: ClinVar variation 2452627 (VCV002452627.2), dbSNP rs1198852230, ClinGen allele CA337954082.
Genomic context (GRCh38, chr1:2,229,326, plus strand): 5'-TGCCCTTCTCGGCGCCCTCGTGCGGGCTCATCACCAAGACGGACGCCGAGCGCCTGTGCA[A>G]CGCGCTGCTCTACGGCGGCGCCTACCCGCCGCCCTGCAAGAAGGAGCTGGCCGCCAGCCT-3'
Protein context (NP_003027.1, residues 177-197): ITKTDAERLC[Asn187Ser]ALLYGGAYPP

ClinVar aggregate classification (germline): Uncertain significance (1 of 4 stars; one submission).

Conditions:
Familial thoracic aortic aneurysm and aortic dissection (TAAD). Also called: Thoracic aortic aneurysms and dissections. Identifiers: Orphanet 91387, MedGen C4707243, MONDO:0019625.

Submission:

Ambry Genetics
Classification: Uncertain significance for Familial thoracic aortic aneurysm and aortic dissection. Last evaluated: 2022-12-09. Review status: criteria provided, single submitter. Criteria: Ambry Variant Classification Scheme 2023. Collection method: clinical testing. Allele origin: germline.
Comment: The p.N187S variant (also known as c.560A>G), located in coding exon 1 of the SKI gene, results from an A to G substitution at nucleotide position 560. The asparagine at codon 187 is replaced by serine, an amino acid with highly similar properties. This amino acid position is conserved. In addition, this alteration is predicted to be tolerated by in silico analysis. Since supporting evidence is limited at this time, the clinical significance of this alteration remains unclear.